The following is an entry in ClinVar:

ClinVar aggregate classification (germline): Likely benign. Review status: criteria provided, multiple submitters, no conflicts (2 of 4 stars). 2 submissions from 2 submitters: Likely benign (2). Last evaluated 2026-01-19.

Conditions:
Familial cancer of breast. Also called: BREAST CANCER, FAMILIAL; hereditary breast carcinoma; Hereditary breast cancer. Identifiers: Orphanet 227535, MedGen C0346153, MONDO:0016419, OMIM 114480. Disease mechanism: loss of function.
Ataxia-telangiectasia syndrome (AT). Also called: Ataxia telangiectasia (A-T); Cerebello-oculocutaneous telangiectasia; Immunodeficiency with ataxia telangiectasia; Ataxia-telangiectasia, complementation group D; Ataxia-telangiectasia, complementation group E; LOUIS-BAR SYNDROME. Identifiers: Orphanet 100, MedGen C0004135, MONDO:0008840, OMIM 208900.

gnomAD v4.1: 3 of 1,611,548 alleles (0.00019%); highest among the groups gnomAD compares: Non-Finnish European, 0.00025%; no homozygotes.

Submissions (2):

Labcorp Genetics (formerly Invitae), Labcorp
Classification: Likely benign for Ataxia-telangiectasia syndrome. Last evaluated: 2026-01-19. Review status: criteria provided, single submitter. Criteria: Invitae Variant Classification Sherloc (09022015). Collection method: clinical testing. Allele origin: germline.

Myriad Genetics, Inc.
Classification: Likely benign for Familial cancer of breast. Last evaluated: 2024-05-10. Review status: criteria provided, single submitter. Criteria: Myriad Autosomal Dominant, Autosomal Recessive and X-Linked Classification Criteria (2023). Collection method: clinical testing. Allele origin: unknown.
Comment: This variant is considered likely benign. This variant is intronic and is not expected to impact mRNA splicing.

NM_000051.4(ATM):c.2639-17G>A

Gene: ATM (ATM serine/threonine kinase; plus strand). Cytogenetic location: 11q22.3.
Variant type: single nucleotide variant.
Coding change: c.2639-17G>A on transcript NM_000051.4 (MANE Select); 17 bases into the intron before coding-DNA position 2639, G replaced by A.
Molecular consequence: intron variant.
Genome position (GRCh38, 1-based): chr11:108,268,393, G>A. VCF-style: chr11-108268393-G-A. GRCh37 (hg19) VCF-style: chr11-108139120-G-A.
Other names: c.2639-17G>A (NM_001351834.2).
Identifiers: ClinVar variation 1991498 (VCV001991498.5), dbSNP rs2234994, ClinGen allele CA602132628.